The following is an entry in ClinVar:

ClinVar aggregate classification (germline): Uncertain significance. Review status: criteria provided, multiple submitters, no conflicts (2 of 4 stars). 2 submissions from 2 submitters: Uncertain significance (2). Last evaluated 2025-11-27.

Conditions:
NOD2-related disorder. Also called: NOD2-related condition.
Blau syndrome (BLAUS). Also called: ARTHROCUTANEOUVEAL GRANULOMATOSIS; GRANULOMATOSIS, FAMILIAL JUVENILE SYSTEMIC; GRANULOMATOSIS, FAMILIAL, BLAU TYPE; GRANULOMATOUS INFLAMMATORY ARTHRITIS, DERMATITIS, AND UVEITIS, FAMILIAL; JABS SYNDROME. Identifiers: Orphanet 90340, MedGen C5201146, MONDO:0008523, OMIM 186580.
Regional enteritis. Also called: Enteritis, Granulomatous. Identifiers: MedGen C0678202, MeSH D003424.

Allele frequency attached by ClinVar (database versions not stated): ExAC below 0.00001; gnomAD exomes below 0.00001 and 0.00002; TOPMed 0.00009; gnomAD 0.00010 and 0.00011.
gnomAD v4.1: 19 of 1,555,992 alleles (0.0012%); highest among the groups gnomAD compares: African/African-American, 0.02%; no homozygotes.

Submissions (2):

Labcorp Genetics (formerly Invitae), Labcorp
Classification: Uncertain significance for Regional enteritis; Blau syndrome. Last evaluated: 2025-11-27. Review status: criteria provided, single submitter. Criteria: Invitae Variant Classification Sherloc (09022015). Collection method: clinical testing. Allele origin: germline.
Comment: This sequence change affects the initiator codon of the NOD2 mRNA. This change may impact translation initiation or efficiency. The next in-frame methionine is located at codon 28. This variant is present in population databases (rs765406921, gnomAD 0.04%). This variant has not been reported in the literature in individuals affected with NOD2-related conditions. ClinVar contains an entry for this variant (Variation ID: 531595). In summary, the available evidence is currently insufficient to determine the role of this variant in disease. Therefore, it has been classified as a Variant of Uncertain Significance.

PreventionGenetics, part of Exact Sciences
Classification: Uncertain significance for NOD2-related condition. Last evaluated: 2025-01-08. Review status: criteria provided, single submitter. Criteria: ACMG Guidelines, 2015. Collection method: clinical testing. Allele origin: germline.
Comment: The NOD2 c.2T>C variant is predicted to disrupt the translation initiation site (Start loss). To our knowledge, this variant has not been reported in the literature. An in-frame methionine (Met) occurs downstream of this variant in exon 2 at codon 28 which is utilized for initiation by other transcripts of NOD2 (NM_001370466.1). If utilized, this may retain translation. This variant is reported in 0.033% of alleles in individuals of African descent in gnomAD. At this time, the clinical significance of this variant is uncertain due to the absence of conclusive functional and genetic evidence.

NM_001370466.1(NOD2):c.-8-2243T>C

Gene: NOD2 (nucleotide binding oligomerization domain containing 2; plus strand). Cytogenetic location: 16q12.1.
Variant type: single nucleotide variant.
Coding change: c.-8-2243T>C on transcript NM_001370466.1 (MANE Select); 2243 bases into the intron before 8 bases upstream of the start codon, T replaced by C.
Molecular consequence: intron variant. On other transcripts: missense variant (1), initiator codon variant (1).
Genome position (GRCh38, 1-based): chr16:50,697,245, T>C. VCF-style: chr16-50697245-T-C. GRCh37 (hg19) VCF-style: chr16-50731156-T-C.
Other names: c.2T>C, p.Met1Thr (NM_022162.3); short protein forms M1T.
Identifiers: ClinVar variation 531595 (VCV000531595.12), dbSNP rs765406921, ClinGen allele CA8051160.